The following is an entry in ClinVar:

ClinVar aggregate classification (germline): Uncertain significance. Review status: criteria provided, multiple submitters, no conflicts (2 of 4 stars). 2 submissions from 2 submitters: Uncertain significance (2). Last evaluated 2025-08-30.

Conditions:
Inborn genetic diseases. Identifiers: MedGen C0950123, MeSH D030342.

Submissions (2):

Ambry Genetics
Classification: Uncertain significance for Inborn genetic diseases. Last evaluated: 2025-08-30. Review status: criteria provided, single submitter. Criteria: Ambry Variant Classification Scheme 2023. Collection method: clinical testing. Allele origin: germline.
Comment: The p.V468I variant (also known as c.1402G>A), located in coding exon 16 of the RTEL1 gene, results from a G to A substitution at nucleotide position 1402. The valine at codon 468 is replaced by isoleucine, an amino acid with highly similar properties. This amino acid position is conserved. In addition, this alteration is predicted to be tolerated by in silico analysis. Based on the available evidence, the clinical significance of this variant remains unclear.

GeneDx
Classification: Uncertain significance. Last evaluated: 2025-04-30. Review status: criteria provided, single submitter. Criteria: GeneDx Variant Classification Process June 2021. Collection method: clinical testing. Allele origin: germline. Affected: yes.
Comment: Not observed at significant frequency in large population cohorts (gnomAD); In silico analysis indicates that this missense variant does not alter protein structure/function; Has not been previously published as pathogenic or benign to our knowledge

NM_001283009.2(RTEL1):c.1402G>A (p.Val468Ile)

Genes: RTEL1 (regulator of telomere elongation helicase 1; plus strand), RTEL1-TNFRSF6B (RTEL1-TNFRSF6B readthrough (NMD candidate); plus strand). Cytogenetic location: 20q13.33.
Variant type: single nucleotide variant.
Coding change: c.1402G>A on transcript NM_001283009.2 (MANE Select); coding-DNA position 1402, G replaced by A.
Protein change: p.Val468Ile; replaces valine 468 with isoleucine.
Molecular consequence: missense variant. On other transcripts: non-coding transcript variant (1).
Genome position (GRCh38, 1-based): chr20:63,687,691, G>A. VCF-style: chr20-63687691-G-A. GRCh37 (hg19) VCF-style: chr20-62319044-G-A.
Other names: c.733G>A, p.Val245Ile (NM_001283010.1); c.1402G>A, p.Val468Ile (NM_016434.4); c.1474G>A, p.Val492Ile (NM_032957.5); c.1474G>A (NM_032957.4); short protein forms V245I, V492I, V468I.
Identifiers: ClinVar variation 4157714 (VCV004157714.2).